The following is an entry in ClinVar:

ClinVar aggregate classification (germline): Uncertain significance. Review status: criteria provided, multiple submitters, no conflicts (2 of 4 stars). 2 submissions from 2 submitters: Uncertain significance (2). Last evaluated 2025-07-03.

Conditions:
Cardiovascular phenotype. Identifiers: MedGen CN230736.
Myofibrillar myopathy 6. Identifiers: Orphanet 199340, MedGen C2751831, MONDO:0013061, OMIM 612954.
Dilated cardiomyopathy 1HH (CMD1HH). Identifiers: Orphanet 154, MedGen C3151293, MONDO:0013479, OMIM 613881.

Allele frequency attached by ClinVar (database versions not stated): gnomAD exomes 0.00002.
gnomAD v4.1: 26 of 1,613,990 alleles (0.0016%); highest among the groups gnomAD compares: Non-Finnish European, 0.0022%; no homozygotes.

Submissions (2):

Ambry Genetics
Classification: Uncertain significance for Cardiovascular phenotype. Last evaluated: 2025-07-03. Review status: criteria provided, single submitter. Criteria: Ambry Variant Classification Scheme 2023. Collection method: clinical testing. Allele origin: germline.
Comment: The p.P325A variant (also known as c.973C>G), located in coding exon 4 of the BAG3 gene, results from a C to G substitution at nucleotide position 973. The proline at codon 325 is replaced by alanine, an amino acid with highly similar properties. This amino acid position is not well conserved in available vertebrate species. In addition, this alteration is predicted to be tolerated by in silico analysis. Since supporting evidence is limited at this time, the clinical significance of this alteration remains unclear.

Labcorp Genetics (formerly Invitae), Labcorp
Classification: Uncertain significance for Dilated cardiomyopathy 1HH; Myofibrillar myopathy 6. Last evaluated: 2024-10-26. Review status: criteria provided, single submitter. Criteria: Invitae Variant Classification Sherloc (09022015). Collection method: clinical testing. Allele origin: germline.
Comment: This sequence change replaces proline, which is neutral and non-polar, with alanine, which is neutral and non-polar, at codon 325 of the BAG3 protein (p.Pro325Ala). This variant is not present in population databases (gnomAD no frequency). This variant has not been reported in the literature in individuals affected with BAG3-related conditions. ClinVar contains an entry for this variant (Variation ID: 1425221). Invitae Evidence Modeling of protein sequence and biophysical properties (such as structural, functional, and spatial information, amino acid conservation, physicochemical variation, residue mobility, and thermodynamic stability) indicates that this missense variant is not expected to disrupt BAG3 protein function with a negative predictive value of 80%. In summary, the available evidence is currently insufficient to determine the role of this variant in disease. Therefore, it has been classified as a Variant of Uncertain Significance.

NM_004281.4(BAG3):c.973C>G (p.Pro325Ala)

Gene: BAG3 (BAG cochaperone 3; plus strand). Cytogenetic location: 10q26.11.
Variant type: single nucleotide variant.
Coding change: c.973C>G on transcript NM_004281.4 (MANE Select); coding-DNA position 973, C replaced by G.
Protein change: p.Pro325Ala; replaces proline 325 with alanine.
Molecular consequence: missense variant.
Genome position (GRCh38, 1-based): chr10:119,676,527, C>G. VCF-style: chr10-119676527-C-G. GRCh37 (hg19) VCF-style: chr10-121436039-C-G.
Other names: c.973C>G (NM_004281.3); short protein forms P325A.
Identifiers: ClinVar variation 1425221 (VCV001425221.11), dbSNP rs2134068715, ClinGen allele CA378296380.